The following is an entry in ClinVar:

ClinVar aggregate classification (germline): Uncertain significance (1 of 4 stars; one submission).

gnomAD v4.1: 78 of 1,588,828 alleles (0.0049%); highest among the groups gnomAD compares: Non-Finnish European, 0.0056%; no homozygotes.

Submission:

GeneDx
Classification: Uncertain significance. Last evaluated: 2024-11-21. Review status: criteria provided, single submitter. Criteria: GeneDx Variant Classification Process June 2021. Collection method: clinical testing. Allele origin: germline.
Comment: In silico analysis supports that this missense variant has a deleterious effect on protein structure/function; Has not been previously published as pathogenic or benign to our knowledge

NM_020066.5(FMN2):c.1409G>C (p.Arg470Pro)

Gene: FMN2 (formin 2; plus strand). Cytogenetic location: 1q43.
Variant type: single nucleotide variant.
Coding change: c.1409G>C on transcript NM_020066.5 (MANE Select); coding-DNA position 1409, G replaced by C.
Protein change: p.Arg470Pro; replaces arginine 470 with proline.
Molecular consequence: missense variant.
Genome position (GRCh38, 1-based): chr1:240,093,518, G>C. VCF-style: chr1-240093518-G-C. GRCh37 (hg19) VCF-style: chr1-240256818-G-C.
Other names: c.1409G>C, p.Arg470Pro (NM_001305424.2, NM_001348094.2); short protein forms R470P.
Identifiers: ClinVar variation 3363436 (VCV003363436.2).